The following is an entry in ClinVar:

NM_016604.4(KDM3B):c.4411A>G (p.Lys1471Glu)

Gene: KDM3B (lysine demethylase 3B; plus strand). Cytogenetic location: 5q31.2.
Variant type: single nucleotide variant.
Coding change: c.4411A>G on transcript NM_016604.4 (MANE Select); coding-DNA position 4411, A replaced by G.
Protein change: p.Lys1471Glu; replaces lysine 1471 with glutamic acid.
Molecular consequence: missense variant.
Genome position (GRCh38, 1-based): chr5:138,425,582, A>G. VCF-style: chr5-138425582-A-G. GRCh37 (hg19) VCF-style: chr5-137761271-A-G.
Other names: short protein forms K1471E.
Identifiers: ClinVar variation 2507143 (VCV002507143.3), dbSNP rs2480315988, ClinGen allele CA361093215.

ClinVar aggregate classification (germline): Uncertain significance. Review status: criteria provided, multiple submitters, no conflicts (2 of 4 stars). 2 submissions from 2 submitters: Uncertain significance (2). Last evaluated 2024-10-22.

Submissions (2):

GeneDx
Classification: Uncertain significance. Last evaluated: 2024-10-22. Review status: criteria provided, single submitter. Criteria: GeneDx Variant Classification Process June 2021. Collection method: clinical testing. Allele origin: germline. Affected: yes.
Comment: Not observed at significant frequency in large population cohorts (gnomAD); In silico analysis supports that this missense variant has a deleterious effect on protein structure/function; Has not been previously published as pathogenic or benign to our knowledge

Blueprint Genetics
Classification: Uncertain significance. Last evaluated: 2022-11-25. Review status: criteria provided, single submitter. Criteria: ACMG Guidelines, 2015. Collection method: clinical testing. Allele origin: germline.